The following is an entry in ClinVar:

ClinVar aggregate classification (germline): Likely benign (1 of 4 stars; one submission).

Allele frequency attached by ClinVar (database versions not stated): 1000 Genomes Project 0.00240; ExAC 0.00261; gnomAD exomes 0.00294; gnomAD 0.00424; TOPMed 0.00495; 1000 Genomes Project 30x 0.00874.
gnomAD v4.1: 4,946 of 1,604,422 alleles (0.31%); highest among the groups gnomAD compares: Admixed American, 0.74%; 28 homozygotes.

Submission:

CeGaT Center for Human Genetics Tuebingen
Classification: Likely benign. Last evaluated: 2026-01-01. Review status: criteria provided, single submitter. Criteria: CeGaT Center For Human Genetics Tuebingen Variant Classification Criteria Version 2. Collection method: clinical testing. Allele origin: germline. Affected: yes. Observed: 2 variant alleles.
Comment: PCDHB9: BP4, BP7, BS2

NM_019119.5(PCDHB9):c.1647A>G (p.Val549=)

Genes: PCDHB9 (protocadherin beta 9; plus strand), PCDHB@ (protocadherin beta cluster; plus strand). Cytogenetic location: 5q31.3.
Variant type: single nucleotide variant.
Coding change: c.1647A>G on transcript NM_019119.5 (MANE Select); coding-DNA position 1647, A replaced by G.
Protein change: p.Val549=; no amino-acid change (valine 549 retained).
Molecular consequence: synonymous variant.
Genome position (GRCh38, 1-based): chr5:141,188,965, A>G. VCF-style: chr5-141188965-A-G. GRCh37 (hg19) VCF-style: chr5-140568538-A-G.
Identifiers: ClinVar variation 2655828 (VCV002655828.24), dbSNP rs17844531, ClinGen allele CA3461135.